The following is an entry in ClinVar:

ClinVar aggregate classification (germline): Conflicting classifications of pathogenicity. Review status: criteria provided, conflicting classifications (1 of 4 stars). 2 submissions from 2 submitters: Likely pathogenic (1); Uncertain significance (1). Last evaluated 2025-02-21.

Conditions:
Multiple sulfatase deficiency (MSD). Also called: Multiple Sulfatase Deficiency Disease; Mucosulfatidosis; Sulfatidosis, Juvenile, Austin Type. Identifiers: Orphanet 585, MedGen C0268263, MONDO:0010088, OMIM 272200.

Allele frequency attached by ClinVar (database versions not stated): gnomAD exomes below 0.00001.
gnomAD v4.1: 1 of 1,614,186 alleles (0.000062%); highest among the groups gnomAD compares: Non-Finnish European, 0.000085%; no homozygotes.

Submissions (2):

3billion
Classification: Uncertain significance for Multiple sulfatase deficiency. Last evaluated: 2025-02-21. Review status: criteria provided, single submitter. Criteria: ACMG Guidelines, 2015. Collection method: clinical testing. Allele origin: germline. Affected: yes.
Comment: The variant is observed at an extremely low frequency in the gnomAD v4.1.0 dataset (total allele frequency: <0.001%). Predicted Consequence/Location: Missense variant In silico tool predictions suggest damaging effect of the variant on gene or gene product [REVEL: 0.99 (>=0.6, sensitivity 0.68 and specificity 0.92); 3Cnet: 0.99 (>=0.6, sensitivity 0.72 and precision 0.9)]. The same nucleotide change resulting in the same amino acid change has been previously reported to be associated with SUMF1-related disorder (ClinVar ID: VCV000915416 /PMID: 32414121). Therefore, this variant is classified as VUS according to the recommendation of ACMG/AMP guideline.

Genomic Research Center, Shahid Beheshti University of Medical Sciences
Classification: Likely pathogenic for Multiple sulfatase deficiency. Last evaluated: 2020-05-03. Review status: criteria provided, single submitter. Criteria: ACMG Guidelines, 2015. Collection method: clinical testing. Allele origin: unknown. Affected: yes.

Literature cited by the submitters: PubMed 32414121 (cited by 3billion).

NM_182760.4(SUMF1):c.392T>G (p.Val131Gly)

Gene: SUMF1 (sulfatase modifying factor 1; minus strand). Cytogenetic location: 3p26.1.
Variant type: single nucleotide variant.
Coding change: c.392T>G on transcript NM_182760.4 (MANE Select); coding-DNA position 392, T replaced by G.
Protein change: p.Val131Gly; replaces valine 131 with glycine.
Molecular consequence: missense variant.
Genome position (GRCh38, 1-based): chr3:4,452,928, A>C on the plus strand (T>G on the coding strand, the complement: SUMF1 is on the minus strand). VCF-style: chr3-4452928-A-C. GRCh37 (hg19) VCF-style: chr3-4494612-A-C.
Other names: c.392T>G, p.Val131Gly (NM_001164674.2, NM_001164675.2); short protein forms V131G.
Identifiers: ClinVar variation 915416 (VCV000915416.4), dbSNP rs1703021709, ClinGen allele CA351793185.